The following is an entry in ClinVar:

ClinVar aggregate classification (germline): Likely benign (0 of 4 stars; one submission).

Conditions:
BLTP1-related disorder. Also called: BLTP1-related condition.

gnomAD v4.1: 82 of 1,606,302 alleles (0.0051%); highest among the groups gnomAD compares: African/African-American, 0.1%; no homozygotes.

Submission:

PreventionGenetics, part of Exact Sciences
Classification: Likely benign for BLTP1-related condition. Last evaluated: 2024-03-12. Review status: no assertion criteria provided. Collection method: clinical testing. Allele origin: germline.
Comment: This variant is classified as likely benign based on ACMG/AMP sequence variant interpretation guidelines (Richards et al. 2015 PMID: 25741868, with internal and published modifications).

NM_001384125.1(BLTP1):c.261A>G (p.Glu87=)

Gene: BLTP1 (bridge-like lipid transfer protein family member 1; plus strand). Cytogenetic location: 4q27.
Variant type: single nucleotide variant.
Coding change: c.261A>G on transcript NM_001384125.1 (MANE Select); coding-DNA position 261, A replaced by G.
Protein change: p.Glu87=; no amino-acid change (glutamic acid 87 retained).
Molecular consequence: synonymous variant.
Genome position (GRCh38, 1-based): chr4:122,174,620, A>G. VCF-style: chr4-122174620-A-G. GRCh37 (hg19) VCF-style: chr4-123095775-A-G.
Other names: c.261A>G, p.Glu87= (NM_015312.4).
Identifiers: ClinVar variation 3351344 (VCV003351344.1).